The following is an entry in ClinVar:

ClinVar aggregate classification (germline): Pathogenic (1 of 4 stars; one submission).

Conditions:
Joubert syndrome. Also called: JOUBERT-BOLTSHAUSER SYNDROME; Familial aplasia of the vermis. Identifiers: Orphanet 475, MedGen C5979921, MONDO:0018772.
Meckel-Gruber syndrome. Also called: DYSENCEPHALIA SPLANCHNOCYSTICA; GRUBER SYNDROME; Dysencephalia splachnocystica. Identifiers: Orphanet 564, MedGen C0265215, MONDO:0018921.

Submission:

Labcorp Genetics (formerly Invitae), Labcorp
Classification: Pathogenic for Joubert syndrome; Meckel-Gruber syndrome. Last evaluated: 2023-02-03. Review status: criteria provided, single submitter. Criteria: Invitae Variant Classification Sherloc (09022015). Collection method: clinical testing. Allele origin: germline.
Comment: This variant is not present in population databases (gnomAD no frequency). This sequence change creates a premature translational stop signal (p.Glu959*) in the CC2D2A gene. It is expected to result in an absent or disrupted protein product. Loss-of-function variants in CC2D2A are known to be pathogenic (PMID: 19777577). For these reasons, this variant has been classified as Pathogenic. This variant has not been reported in the literature in individuals affected with CC2D2A-related conditions.

Literature cited by the submitters: PubMed 19777577.

NM_001378615.1(CC2D2A):c.2875G>T (p.Glu959Ter)

Genes: CC2D2A (coiled-coil and C2 domain containing 2A; plus strand), FBXL5 (F-box and leucine rich repeat protein 5; minus strand). Cytogenetic location: 4p15.32.
Variant type: single nucleotide variant.
Coding change: c.2875G>T on transcript NM_001378615.1 (MANE Select); coding-DNA position 2875, G replaced by T.
Protein change: p.Glu959Ter; replaces glutamic acid 959 with a stop codon.
Molecular consequence: nonsense.
Genome position (GRCh38, 1-based): chr4:15,559,210, G>T. VCF-style: chr4-15559210-G-T. GRCh37 (hg19) VCF-style: chr4-15560833-G-T.
Other names: c.2875G>T, p.Glu959Ter (NM_001080522.2); c.2728G>T, p.Glu910Ter (NM_001378617.1); short protein forms E910*, E959*.
Identifiers: ClinVar variation 2943677 (VCV002943677.3), dbSNP rs2475046668, ClinGen allele CA356412738.